The following is an entry in ClinVar:

ClinVar aggregate classification (germline): Uncertain significance (1 of 4 stars; one submission).

Conditions:
Cardiovascular phenotype. Identifiers: MedGen CN230736.

Submission:

Ambry Genetics
Classification: Uncertain significance for Cardiovascular phenotype. Last evaluated: 2017-08-24. Review status: criteria provided, single submitter. Criteria: Ambry Variant Classification Scheme 2023. Collection method: clinical testing. Allele origin: germline.
Comment: The p.I179V variant (also known as c.535A>G), located in coding exon 5 of the ANKRD1 gene, results from an A to G substitution at nucleotide position 535. The isoleucine at codon 179 is replaced by valine, an amino acid with highly similar properties. This amino acid position is not well conserved in available vertebrate species. In addition, this alteration is predicted to be tolerated by in silico analysis. Since supporting evidence is limited at this time, the clinical significance of this alteration remains unclear.

NM_014391.3(ANKRD1):c.535A>G (p.Ile179Val)

Gene: ANKRD1 (ankyrin repeat domain 1; minus strand). Cytogenetic location: 10q23.31.
Variant type: single nucleotide variant.
Coding change: c.535A>G on transcript NM_014391.3 (MANE Select); coding-DNA position 535, A replaced by G.
Protein change: p.Ile179Val; replaces isoleucine 179 with valine.
Molecular consequence: missense variant.
Genome position (GRCh38, 1-based): chr10:90,917,749, T>C on the plus strand (A>G on the coding strand, the complement: ANKRD1 is on the minus strand). VCF-style: chr10-90917749-T-C. GRCh37 (hg19) VCF-style: chr10-92677506-T-C.
Other names: short protein forms I179V.
Identifiers: ClinVar variation 518706 (VCV000518706.5), dbSNP rs1554827780, ClinGen allele CA377551370.